The following is an entry in ClinVar:

NM_000035.4(ALDOB):c.738A>G (p.Pro246=)

Gene: ALDOB (aldolase, fructose-bisphosphate B; minus strand). Cytogenetic location: 9q31.1.
Variant type: single nucleotide variant.
Coding change: c.738A>G on transcript NM_000035.4 (MANE Select); coding-DNA position 738, A replaced by G.
Protein change: p.Pro246=; no amino-acid change (proline 246 retained).
Molecular consequence: synonymous variant.
Genome position (GRCh38, 1-based): chr9:101,425,514, T>C on the plus strand (A>G on the coding strand, the complement: ALDOB is on the minus strand). VCF-style: chr9-101425514-T-C. GRCh37 (hg19) VCF-style: chr9-104187796-T-C.
Other names: c.738A>G (NM_000035.3).
Identifiers: ClinVar variation 1160257 (VCV001160257.11), dbSNP rs781139407, ClinGen allele CA5161489.

ClinVar aggregate classification (germline): Likely benign. Review status: criteria provided, single submitter (1 of 4 stars). 2 submissions from 2 submitters: Likely benign (1). 1 of the submissions does not count toward it. Last evaluated 2024-03-06.

Conditions:
Hereditary fructosuria. Also called: Hereditary fructose intolerance; ALDOB DEFICIENCY; ALDOLASE B DEFICIENCY; FRUCTOSE-1,6-BISPHOSPHATE ALDOLASE B DEFICIENCY; FRUCTOSE-1-PHOSPHATE ALDOLASE DEFICIENCY; FRUCTOSEMIA. Identifiers: Orphanet 469, MedGen C0016751, MONDO:0009249, OMIM 229600, HP:0005973. Disease mechanism: loss of function.
ALDOB-related disorder. Also called: ALDOB-related condition.

Allele frequency attached by ClinVar (database versions not stated): gnomAD exomes below 0.00001; ExAC 0.00001; TOPMed 0.00002.
gnomAD v4.1: 7 of 1,614,168 alleles (0.00043%); highest among the groups gnomAD compares: East Asian, 0.0089%; no homozygotes.

Submissions (2):

Labcorp Genetics (formerly Invitae), Labcorp
Classification: Likely benign for Hereditary fructosuria. Last evaluated: 2024-03-06. Review status: criteria provided, single submitter. Criteria: Invitae Variant Classification Sherloc (09022015). Collection method: clinical testing. Allele origin: germline.

PreventionGenetics, part of Exact Sciences
Classification: Likely benign for ALDOB-related condition. Last evaluated: 2020-11-23. Review status: no assertion criteria provided. Collection method: clinical testing. Allele origin: germline. Not counted in ClinVar's aggregate classification.
Comment: This variant is classified as likely benign based on ACMG/AMP sequence variant interpretation guidelines (Richards et al. 2015 PMID: 25741868, with internal and published modifications).